The following is an entry in ClinVar:

ClinVar aggregate classification (germline): Uncertain significance (1 of 4 stars; one submission).

Allele frequency attached by ClinVar (database versions not stated): gnomAD exomes below 0.00001 and 0.00001; ExAC 0.00001; ESP Exome Variant Server 0.00008.
gnomAD v4.1: 7 of 1,613,738 alleles (0.00043%); highest among the groups gnomAD compares: East Asian, 0.0022%; no homozygotes.

Submission:

Labcorp Genetics (formerly Invitae), Labcorp
Classification: Uncertain significance. Last evaluated: 2021-11-13. Review status: criteria provided, single submitter. Criteria: Invitae Variant Classification Sherloc (09022015). Collection method: clinical testing. Allele origin: germline.
Comment: This sequence change affects codon 299 of the IFNAR1 mRNA. It is a 'silent' change, meaning that it does not change the encoded amino acid sequence of the IFNAR1 protein. In summary, the available evidence is currently insufficient to determine the role of this variant in disease. Therefore, it has been classified as a Variant of Uncertain Significance. Algorithms developed to predict the effect of sequence changes on RNA splicing suggest that this variant may create or strengthen a splice site. This variant has not been reported in the literature in individuals affected with IFNAR1-related conditions. This variant is present in population databases (rs371459204, gnomAD 0.0009%).

NM_000629.3(IFNAR1):c.897A>G (p.Gln299=)

Gene: IFNAR1 (interferon alpha and beta receptor subunit 1; plus strand). Cytogenetic location: 21q22.11.
Variant type: single nucleotide variant.
Coding change: c.897A>G on transcript NM_000629.3 (MANE Select); coding-DNA position 897, A replaced by G.
Protein change: p.Gln299=; no amino-acid change (glutamine 299 retained).
Molecular consequence: synonymous variant.
Genome position (GRCh38, 1-based): chr21:33,349,199, A>G. VCF-style: chr21-33349199-A-G. GRCh37 (hg19) VCF-style: chr21-34721505-A-G.
Other names: c.897A>G, p.Gln299= (NM_001384498.1, NM_001384499.1, NM_001384503.1); c.135A>G, p.Gln45= (NM_001384500.1); c.882A>G, p.Gln294= (NM_001384501.1); c.435A>G, p.Gln145= (NM_001384502.1); c.690A>G, p.Gln230= (NM_001384504.1).
Identifiers: ClinVar variation 1408677 (VCV001408677.6), dbSNP rs371459204, ClinGen allele CA10006611.
Genomic context (GRCh38, chr21:33,349,199, plus strand): 5'-AATACCTGACTGTGAAAATGTCAAAACTACCCAGTGTGTCTTTCCTCAAAACGTTTTCCA[A>G]AAAGGAATTTACCTTCTCCGCGTACAAGCATCTGATGGAAATAACACATCTTTTTGGTCT-3'
Protein context (NP_000620.2, residues 289-309): TQCVFPQNVF[Gln299=]KGIYLLRVQA